The following is an entry in ClinVar:

NM_001321571.2(CAMK2D):c.501C>A (p.Asp167Glu)

Gene: CAMK2D (calcium/calmodulin dependent protein kinase II delta; minus strand). Cytogenetic location: 4q26.
Variant type: single nucleotide variant.
Coding change: c.501C>A on transcript NM_001321571.2 (MANE Select); coding-DNA position 501, C replaced by A.
Protein change: p.Asp167Glu; replaces aspartic acid 167 with glutamic acid.
Molecular consequence: missense variant. On other transcripts: 5 prime UTR variant (2).
Genome position (GRCh38, 1-based): chr4:113,537,357, G>T on the plus strand (C>A on the coding strand, the complement: CAMK2D is on the minus strand). VCF-style: chr4-113537357-G-T. GRCh37 (hg19) VCF-style: chr4-114458513-G-T.
Other names: c.501C>A, p.Asp167Glu (NM_001221.4, NM_001321566.2, NM_001321567.2 and 25 more transcripts); c.-88C>A (NM_001321578.2, NM_001321585.2); c.384C>A, p.Asp128Glu (NM_001321581.2); short protein forms D128E, D167E.
Identifiers: ClinVar variation 724773 (VCV000724773.12), dbSNP rs35367671, ClinGen allele CA3052912.

ClinVar aggregate classification (germline): Benign/Likely benign. Review status: criteria provided, multiple submitters, no conflicts (2 of 4 stars). 3 submissions from 3 submitters: Benign (2); Likely benign (1). Last evaluated 2026-07-01.

Allele frequency attached by ClinVar (database versions not stated): gnomAD exomes 0.00462 and 0.00455; ExAC 0.00572; 1000 Genomes Project 0.00140; 1000 Genomes Project 30x 0.00172; TOPMed 0.00292; gnomAD 0.00363 and 0.00375; ESP Exome Variant Server 0.00400.
gnomAD v4.1: 7,128 of 1,606,330 alleles (0.44%); highest among the groups gnomAD compares: Non-Finnish European, 0.51%; 22 homozygotes.

Submissions (3):

CeGaT Center for Human Genetics Tuebingen
Classification: Likely benign. Last evaluated: 2026-07-01. Review status: criteria provided, single submitter. Criteria: CeGaT Center For Human Genetics Tuebingen Variant Classification Criteria Version 2. Collection method: clinical testing. Allele origin: germline. Affected: yes. Observed: 9 variant alleles.
Comment: CAMK2D: BS2

Labcorp Genetics (formerly Invitae), Labcorp
Classification: Benign. Last evaluated: 2018-07-19. Review status: criteria provided, single submitter. Criteria: Invitae Variant Classification Sherloc (09022015). Collection method: clinical testing. Allele origin: germline.

Breakthrough Genomics
Classification: Benign. Review status: criteria provided, single submitter. Criteria: ACMG Guidelines, 2015. Collection method: not provided. Allele origin: germline. Inheritance: Unknown mechanism. Affected: yes.